The following is an entry in ClinVar:

NM_176824.3(BBS7):c.682C>T (p.Arg228Cys)

Gene: BBS7 (Bardet-Biedl syndrome 7; minus strand). Cytogenetic location: 4q27.
Variant type: single nucleotide variant.
Coding change: c.682C>T on transcript NM_176824.3 (MANE Select); coding-DNA position 682, C replaced by T.
Protein change: p.Arg228Cys; replaces arginine 228 with cysteine.
Molecular consequence: missense variant.
Genome position (GRCh38, 1-based): chr4:121,854,740, G>A on the plus strand (C>T on the coding strand, the complement: BBS7 is on the minus strand). VCF-style: chr4-121854740-G-A. GRCh37 (hg19) VCF-style: chr4-122775895-G-A.
Other names: c.682C>T (NM_176824.2); c.682C>T, p.Arg228Cys (NM_018190.4); short protein forms R228C.
Identifiers: ClinVar variation 1379356 (VCV001379356.6), dbSNP rs762367354, ClinGen allele CA358065818.

ClinVar aggregate classification (germline): Uncertain significance. Review status: criteria provided, multiple submitters, no conflicts (2 of 4 stars). 3 submissions from 3 submitters: Uncertain significance (3). Last evaluated 2025-04-04.

Conditions:
Inborn genetic diseases. Identifiers: MedGen C0950123, MeSH D030342.
Bardet-Biedl syndrome (BBS). Identifiers: Orphanet 110, MedGen C0752166, MONDO:0015229.
BBS7-related disorder. Also called: BBS7-related condition.

Allele frequency attached by ClinVar (database versions not stated): TOPMed 0.00002.
gnomAD v4.1: 17 of 1,612,168 alleles (0.0011%); highest among the groups gnomAD compares: Middle Eastern, 0.017%; no homozygotes.

Submissions (3):

PreventionGenetics, part of Exact Sciences
Classification: Uncertain significance for BBS7-related condition. Last evaluated: 2025-04-04. Review status: criteria provided, single submitter. Criteria: ACMG Guidelines, 2015. Collection method: clinical testing. Allele origin: germline.
Comment: The BBS7 c.682C>T variant is predicted to result in the amino acid substitution p.Arg228Cys. To our knowledge, this variant has not been reported in the literature or in a large population database (gnomAD), indicating this variant is rare. At this time, the clinical significance of this variant is uncertain due to the absence of conclusive functional and genetic evidence.

Labcorp Genetics (formerly Invitae), Labcorp
Classification: Uncertain significance for Bardet-Biedl syndrome. Last evaluated: 2024-10-26. Review status: criteria provided, single submitter. Criteria: Invitae Variant Classification Sherloc (09022015). Collection method: clinical testing. Allele origin: germline.
Comment: This sequence change replaces arginine, which is basic and polar, with cysteine, which is neutral and slightly polar, at codon 228 of the BBS7 protein (p.Arg228Cys). This variant is not present in population databases (gnomAD no frequency). This variant has not been reported in the literature in individuals affected with BBS7-related conditions. ClinVar contains an entry for this variant (Variation ID: 1379356). Invitae Evidence Modeling of protein sequence and biophysical properties (such as structural, functional, and spatial information, amino acid conservation, physicochemical variation, residue mobility, and thermodynamic stability) indicates that this missense variant is not expected to disrupt BBS7 protein function with a negative predictive value of 80%. In summary, the available evidence is currently insufficient to determine the role of this variant in disease. Therefore, it has been classified as a Variant of Uncertain Significance.

Ambry Genetics
Classification: Uncertain significance for Inborn genetic diseases. Last evaluated: 2024-05-20. Review status: criteria provided, single submitter. Criteria: Ambry Variant Classification Scheme 2023. Collection method: clinical testing. Allele origin: germline.